The following is an entry in ClinVar:

ClinVar aggregate classification (germline): Likely benign (1 of 4 stars; one submission).

Allele frequency attached by ClinVar (database versions not stated): gnomAD 0.00049; ESP Exome Variant Server 0.00062; 1000 Genomes Project 0.00100; 1000 Genomes Project 30x 0.00109.
gnomAD v4.1: 737 of 1,614,150 alleles (0.046%); highest among the groups gnomAD compares: Middle Eastern, 0.38%; 2 homozygotes.

Submission:

CeGaT Center for Human Genetics Tuebingen
Classification: Likely benign. Last evaluated: 2024-02-01. Review status: criteria provided, single submitter. Criteria: CeGaT Center For Human Genetics Tuebingen Variant Classification Criteria Version 2. Collection method: clinical testing. Allele origin: germline. Affected: yes. Observed: 2 variant alleles.
Comment: UGT1A4: BP4

NM_007120.3(UGT1A4):c.150G>C (p.Glu50Asp)

Genes: UGT1A (UDP glucuronosyltransferase family 1 member A complex locus; plus strand), UGT1A10 (UDP glucuronosyltransferase family 1 member A10; plus strand), UGT1A4 (UDP glucuronosyltransferase family 1 member A4; plus strand), UGT1A5 (UDP glucuronosyltransferase family 1 member A5; plus strand), UGT1A6 (UDP glucuronosyltransferase family 1 member A6; plus strand) and 3 more. Cytogenetic location: 2q37.1.
Variant type: single nucleotide variant.
Coding change: c.150G>C on transcript NM_007120.3 (MANE Select); coding-DNA position 150, G replaced by C.
Protein change: p.Glu50Asp; replaces glutamic acid 50 with aspartic acid.
Molecular consequence: missense variant. On other transcripts: intron variant (7).
Genome position (GRCh38, 1-based): chr2:233,718,970, G>C. VCF-style: chr2-233718970-G-C. GRCh37 (hg19) VCF-style: chr2-234627616-G-C.
Other names: c.856-48064G>C (NM_019076.5, NM_019075.4); c.855+46181G>C (NM_021027.3); c.855+36178G>C (NM_019077.3); c.60+25105G>C (NM_205862.3); c.861+25105G>C (NM_001072.4); c.867+5112G>C (NM_019078.2); short protein forms E50D.
Identifiers: ClinVar variation 2672867 (VCV002672867.23), dbSNP rs45510694, ClinGen allele CA2178889.
Genomic context (GRCh38, chr2:233,718,970, plus strand): 5'-GGTGTTGGTGGTGCCCACTGATGGCAGCCCCTGGCTCAGCATGCGGGAGGCCTTGCGGGA[G>C]CTCCATGCCAGAGGCCACCAGGCGGTGGTCCTCACCCCAGAGGTGAATATGCACATCAAA-3'
Protein context (NP_009051.1, residues 40-60): PWLSMREALR[Glu50Asp]LHARGHQAVV